The following is an entry in ClinVar:

NM_024422.6(DSC2):c.69+1G>A

Genes: DSC2 (desmocollin 2; minus strand), DSCAS (DSC1/DSC2 antisense RNA; plus strand). Cytogenetic location: 18q12.1.
Variant type: single nucleotide variant.
Coding change: c.69+1G>A on transcript NM_024422.6 (MANE Select); the canonical splice donor site of the intron after coding-DNA position 69, G replaced by A.
Molecular consequence: splice donor variant.
Genome position (GRCh38, 1-based): chr18:31,101,902, C>T on the plus strand (G>A on the coding strand, the complement: DSC2 is on the minus strand). VCF-style: chr18-31101902-C-T. GRCh37 (hg19) VCF-style: chr18-28681865-C-T.
Other names: c.69+1G>A (NM_004949.5).
Identifiers: ClinVar variation 1322769 (VCV001322769.9), dbSNP rs1245669690, ClinGen allele CA402115203.

ClinVar aggregate classification (germline): Conflicting classifications of pathogenicity. Review status: criteria provided, conflicting classifications (1 of 4 stars). 5 submissions from 5 submitters: Pathogenic (1); Likely pathogenic (3); Uncertain significance (1). Last evaluated 2025-04-22.

Conditions:
Cardiomyopathy (CMYO). Also called: Cardiomyopathies. Identifiers: Orphanet 167848, MedGen C0878544, MONDO:0004994, HP:0001638. Inheritance: Various modes of inheritance.
DSC2-related disorders.
Cardiovascular phenotype. Identifiers: MedGen CN230736.
Arrhythmogenic right ventricular dysplasia 11. Also called: Arrhythmogenic right ventricular dysplasia 11 with mild palmoplantar keratoderma and woolly hair; Arrhythmogenic Right Ventricular Dysplasia/Cardiomyopathy11; ARRHYTHMOGENIC RIGHT VENTRICULAR DYSPLASIA, FAMILIAL, 11. Identifiers: MedGen C1864850, MONDO:0012506, OMIM 610476.

Allele frequency attached by ClinVar (database versions not stated): gnomAD exomes below 0.00001 and 0.00001; TOPMed below 0.00001.
gnomAD v4.1: 2 of 1,531,586 alleles (0.00013%); highest among the groups gnomAD compares: East Asian, 0.0025%; no homozygotes.

Submissions (5):

Ambry Genetics
Classification: Likely pathogenic for Cardiovascular phenotype. Last evaluated: 2025-04-22. Review status: criteria provided, single submitter. Criteria: Ambry Variant Classification Scheme 2023. Collection method: clinical testing. Allele origin: germline.
Comment: The c.69+1G>A intronic variant results from a G to A substitution one nucleotide after coding exon 1 of the DSC2 gene. This variant is considered to be rare based on population cohorts in the Genome Aggregation Database (gnomAD). This nucleotide position is highly conserved in available vertebrate species. In silico splice site analysis predicts that this alteration will weaken the native splice donor site and may result in the creation or strengthening of a novel splice donor site. Alterations that disrupt the canonical splice site are expected to cause aberrant splicing, resulting in an abnormal protein or a transcript that is subject to nonsense-mediated mRNA decay. As such, this alteration is classified as likely pathogenic.

Blueprint Genetics
Classification: Likely pathogenic for DSC2-related disorders. Last evaluated: 2024-07-18. Review status: criteria provided, single submitter. Criteria: ACMG Guidelines, 2015. Collection method: clinical testing. Allele origin: germline. Affected: yes. Observed: 3 variant alleles.

GeneDx
Classification: Likely pathogenic. Last evaluated: 2024-03-12. Review status: criteria provided, single submitter. Criteria: GeneDx Variant Classification Process June 2021. Collection method: clinical testing. Allele origin: germline. Affected: yes.
Comment: Canonical splice site variant in a gene for which loss-of-function is a known mechanism of disease; Not observed at a significant frequency in large population cohorts (gnomAD); Has not been previously published as pathogenic or benign to our knowledge

Color Diagnostics, LLC DBA Color Health
Classification: Uncertain significance for Cardiomyopathy. Last evaluated: 2021-04-05. Review status: criteria provided, single submitter. Criteria: ACMG Guidelines, 2015. Collection method: clinical testing. Allele origin: germline.
Comment: This variant causes a G to A nucleotide substitution at the +1 position of intron 1 of the DSC2 gene. Splice prediction tools suggest that this variant may have a significant impact on splicing. To our knowledge, functional studies have not been reported for this variant. This variant has not been reported in individuals affected with cardiovascular disorders in the literature. This variant has been identified in 1/125366 chromosomes in the general population by the Genome Aggregation Database (gnomAD). Although there is a suspicion for a pathogenic role, clinical relevance of loss-of-function DSC2 truncation and splice variants in autosomal dominant arrhythmogenic cardiomyopathy is not yet clearly established. Therefore, this variant is classified as a Variant of Uncertain Significance.

Revvity Omics, Revvity
Classification: Pathogenic for Arrhythmogenic right ventricular dysplasia 11. Last evaluated: 2019-12-14. Review status: criteria provided, single submitter. Criteria: ACMG Guidelines, 2015. Collection method: clinical testing. Allele origin: germline.